The following is an entry in ClinVar:

NM_000059.4(BRCA2):c.2550A>G (p.Gln850=)

Gene: BRCA2 (BRCA2 DNA repair associated; plus strand). Cytogenetic location: 13q13.1.
Variant type: single nucleotide variant.
Coding change: c.2550A>G on transcript NM_000059.4 (MANE Select); coding-DNA position 2550, A replaced by G.
Protein change: p.Gln850=; no amino-acid change (glutamine 850 retained).
Molecular consequence: synonymous variant.
Genome position (GRCh38, 1-based): chr13:32,336,905, A>G. VCF-style: chr13-32336905-A-G. GRCh37 (hg19) VCF-style: chr13-32911042-A-G.
Other names: 2778A/G; Q850Q; 2778A>G.
Identifiers: ClinVar variation 51305 (VCV000051305.31), dbSNP rs80359785, ClinGen allele CA015617.
Genomic context (GRCh38, chr13:32,336,905, plus strand): 5'-CGTTGAGCTGTTGCCACCTGAAAAATACATGAGAGTAGCATCACCTTCAAGAAAGGTACA[A>G]TTCAACCAAAACACAAATCTAAGAGTAATCCAAAAAAATCAAGAAGAAACTACTTCAATT-3'
Protein context (NP_000050.3, residues 840-860): MRVASPSRKV[Gln850=]FNQNTNLRVI

ClinVar aggregate classification (germline): Benign/Likely benign. Review status: criteria provided, multiple submitters, no conflicts (2 of 4 stars). 17 submissions from 16 submitters: Benign (6); Likely benign (7). 4 of the submissions do not count toward it. Last evaluated 2026-02-03.

Conditions:
Breast and/or ovarian cancer. Identifiers: MedGen CN221562.
Hereditary cancer-predisposing syndrome. Also called: Tumor predisposition; Neoplastic Syndromes, Hereditary; Hereditary neoplastic syndrome; Hereditary Cancer Syndrome. Identifiers: Orphanet 140162, MedGen C0027672, MeSH D009386, MONDO:0015356.
Hereditary breast ovarian cancer syndrome. Also called: Hereditary breast and ovarian cancer; BRCA1- and BRCA2-Associated Hereditary Breast and Ovarian Cancer; Hereditary breast and/or ovarian cancer syndrome; Hereditary breast and ovarian cancer syndrome; Breast and ovarian cancer; Hereditary breast and ovarian cancer syndrome (HBOC). Identifiers: Orphanet 145, MedGen C0677776, MeSH D061325, MONDO:0003582. Disease mechanism: loss of function.
Fanconi anemia complementation group D1. Also called: BRCA2-Related Fanconi Anemia. Identifiers: Orphanet 319462, MedGen C1838457, MONDO:0011584, OMIM 605724.
Breast-ovarian cancer, familial, susceptibility to, 2 (BROVCA2). Also called: BRCA2 Hereditary Breast and Ovarian Cancer. Identifiers: Orphanet 145, MedGen C2675520, MONDO:0012933, OMIM 612555. Disease mechanism: loss of function.

Allele frequency attached by ClinVar (database versions not stated): gnomAD 0.00005 and 0.00008; gnomAD exomes 0.00007 and 0.00017; TOPMed 0.00007; ExAC 0.00015; 1000 Genomes Project 30x 0.00047; 1000 Genomes Project 0.00060.
gnomAD v4.1: 108 of 1,608,234 alleles (0.0067%); highest among the groups gnomAD compares: East Asian, 0.22%; no homozygotes.

Submissions (17):

Labcorp Genetics (formerly Invitae), Labcorp
Classification: Benign for Hereditary breast ovarian cancer syndrome. Last evaluated: 2026-02-03. Review status: criteria provided, single submitter. Criteria: Invitae Variant Classification Sherloc (09022015). Collection method: clinical testing. Allele origin: germline.

ARUP Laboratories, Molecular Genetics and Genomics, ARUP Laboratories
Classification: Benign. Last evaluated: 2025-03-16. Review status: criteria provided, single submitter. Criteria: ARUP Molecular Germline Variant Investigation Process 2024. Collection method: clinical testing. Allele origin: germline.

Center for Genomic Medicine, Rigshospitalet, Copenhagen University Hospital
Classification: Benign. Last evaluated: 2025-03-04. Review status: criteria provided, single submitter. Criteria: ACMG Guidelines, 2015. Collection method: clinical testing. Allele origin: germline.

Blueprint Genetics
Classification: Likely benign. Last evaluated: 2024-05-30. Review status: criteria provided, single submitter. Criteria: ACMG Guidelines, 2015. Collection method: clinical testing. Allele origin: germline.

Quest Diagnostics Nichols Institute San Juan Capistrano
Classification: Benign. Last evaluated: 2023-05-09. Review status: criteria provided, single submitter. Criteria: Quest Diagnostics criteria. Collection method: clinical testing. Allele origin: unknown.

Sema4
Classification: Benign for Hereditary cancer-predisposing syndrome. Last evaluated: 2020-10-29. Review status: criteria provided, single submitter. Criteria: Sema4 Curation Guidelines. Collection method: curation. Allele origin: germline.

Illumina Laboratory Services, Illumina
Classification: Likely benign for Fanconi anemia complementation group D1. Last evaluated: 2019-10-29. Review status: criteria provided, single submitter. Criteria: ICSL Variant Classification Criteria 13 December 2019. Collection method: clinical testing. Allele origin: germline.
Comment: This variant was observed as part of a predisposition screen in an ostensibly healthy population. A literature search was performed for the gene, cDNA change, and amino acid change (where applicable). No publications were found based on this search. Allele frequency data from public databases allowed determination this variant is unlikely to cause disease. Therefore, this variant is classified as likely benign.

Illumina Laboratory Services, Illumina
Classification: Likely benign for Breast-ovarian cancer, familial, susceptibility to, 2. Last evaluated: 2019-10-29. Review status: criteria provided, single submitter. Criteria: ICSL Variant Classification Criteria 13 December 2019. Collection method: clinical testing. Allele origin: germline.
Comment: This variant was observed as part of a predisposition screen in an ostensibly healthy population. A literature search was performed for the gene, cDNA change, and amino acid change (where applicable). Publications were found based on this search. The evidence from the literature, in combination with allele frequency data from public databases where available, was sufficient to determine this variant is unlikely to cause disease. Therefore, this variant is classified as likely benign.

PreventionGenetics, part of Exact Sciences
Classification: Likely benign. Last evaluated: 2018-01-24. Review status: criteria provided, single submitter. Criteria: ACMG Guidelines, 2015. Collection method: clinical testing. Allele origin: germline.

CHEO Genetics Diagnostic Laboratory, Children's Hospital of Eastern Ontario
Classification: Likely benign for Breast and/or ovarian cancer. Last evaluated: 2017-01-12. Review status: criteria provided, single submitter. Criteria: ACMG Guidelines, 2015. Collection method: clinical testing. Allele origin: germline. Study: Canadian Open Genetics Repository.

Color Diagnostics, LLC DBA Color Health
Classification: Likely benign for Hereditary cancer-predisposing syndrome. Last evaluated: 2015-04-13. Review status: criteria provided, single submitter. Criteria: ACMG Guidelines, 2015. Collection method: clinical testing. Allele origin: germline.

GeneDx
Classification: Benign. Last evaluated: 2015-03-31. Review status: criteria provided, single submitter. Criteria: GeneDx Variant Classification (06012015). Collection method: clinical testing. Allele origin: germline. Affected: yes.
Comment: This variant is considered likely benign or benign based on one or more of the following criteria: it is a conservative change, it occurs at a poorly conserved position in the protein, it is predicted to be benign by multiple in silico algorithms, and/or has population frequency not consistent with disease.

Ambry Genetics
Classification: Likely benign for Hereditary cancer-predisposing syndrome. Last evaluated: 2014-09-26. Review status: criteria provided, single submitter. Criteria: Ambry Variant Classification Scheme 2023. Collection method: clinical testing. Allele origin: germline.

Cancer Genetics and Genomics Laboratory, British Columbia Cancer Agency
Classification: Uncertain significance for Hereditary breast ovarian cancer syndrome. Last evaluated: 2016-04-14. Review status: no assertion criteria provided. Collection method: clinical testing. Allele origin: germline. Study: The Canadian Open Genetics Repository (COGR). Not counted in ClinVar's aggregate classification.

Sharing Clinical Reports Project (SCRP)
Classification: Benign for Breast-ovarian cancer, familial 2. Last evaluated: 2011-03-15. Review status: no assertion criteria provided. Collection method: clinical testing. Allele origin: germline. Not counted in ClinVar's aggregate classification.

Breast Cancer Information Core (BIC) (BRCA2)
Classification: Uncertain significance for Breast-ovarian cancer, familial 2. Last evaluated: 1998-11-30. Review status: no assertion criteria provided. Collection method: clinical testing. Allele origin: germline. Affected: yes. Observed: 1 variant allele. Not counted in ClinVar's aggregate classification.

Department of Pathology and Laboratory Medicine, Sinai Health System
Classification: Uncertain significance. Review status: no assertion criteria provided. Collection method: clinical testing. Allele origin: unknown. Affected: yes. Observed: 1 variant allele. Study: The Canadian Open Genetics Repository (COGR). Not counted in ClinVar's aggregate classification.

Literature cited by the submitters: PubMed 31825140 (cited by Quest Diagnostics Nichols Institute San Juan Capistrano); PubMed 32467295 (cited by Quest Diagnostics Nichols Institute San Juan Capistrano); PubMed 20104584 (cited by Quest Diagnostics Nichols Institute San Juan Capistrano and Ambry Genetics); PubMed 9971877 (cited by Quest Diagnostics Nichols Institute San Juan Capistrano and Ambry Genetics); PubMed 22921312 (cited by Quest Diagnostics Nichols Institute San Juan Capistrano and Illumina Laboratory Services, Illumina); PubMed 21120943 (cited by Quest Diagnostics Nichols Institute San Juan Capistrano); PubMed 28364669 (cited by Quest Diagnostics Nichols Institute San Juan Capistrano).